The following is an entry in ClinVar:

ClinVar aggregate classification (germline): Uncertain significance (1 of 4 stars; one submission).

Allele frequency attached by ClinVar (database versions not stated): gnomAD exomes below 0.00001.
gnomAD v4.1: 1 of 1,613,778 alleles (0.000062%); highest among the groups gnomAD compares: Non-Finnish European, 0.000085%; no homozygotes.

Submission:

GeneDx
Classification: Uncertain significance. Last evaluated: 2022-04-20. Review status: criteria provided, single submitter. Criteria: GeneDx Variant Classification Process June 2021. Collection method: clinical testing. Allele origin: germline. Affected: yes.
Comment: Not observed at significant frequency in large population cohorts (gnomAD); In silico analysis supports that this missense variant has a deleterious effect on protein structure/function; Has not been previously published as pathogenic or benign to our knowledge

NM_018263.6(ASXL2):c.1105T>C (p.Trp369Arg)

Gene: ASXL2 (ASXL transcriptional regulator 2; minus strand). Cytogenetic location: 2p23.3.
Variant type: single nucleotide variant.
Coding change: c.1105T>C on transcript NM_018263.6 (MANE Select); coding-DNA position 1105, T replaced by C.
Protein change: p.Trp369Arg; replaces tryptophan 369 with arginine.
Molecular consequence: missense variant.
Genome position (GRCh38, 1-based): chr2:25,753,571, A>G on the plus strand (T>C on the coding strand, the complement: ASXL2 is on the minus strand). VCF-style: chr2-25753571-A-G. GRCh37 (hg19) VCF-style: chr2-25976440-A-G.
Other names: c.931T>C, p.Trp311Arg (NM_001369346.1); c.325T>C, p.Trp109Arg (NM_001369347.1); short protein forms W109R, W311R, W369R.
Identifiers: ClinVar variation 1712071 (VCV001712071.2), dbSNP rs2465319569, ClinGen allele CA346077717.